The following is an entry in ClinVar:

NM_001903.5(CTNNA1):c.601G>A (p.Val201Ile)

Gene: CTNNA1 (catenin alpha 1; plus strand). Cytogenetic location: 5q31.2.
Variant type: single nucleotide variant.
Coding change: c.601G>A on transcript NM_001903.5 (MANE Select); coding-DNA position 601, G replaced by A.
Protein change: p.Val201Ile; replaces valine 201 with isoleucine.
Molecular consequence: missense variant.
Genome position (GRCh38, 1-based): chr5:138,824,542, G>A. VCF-style: chr5-138824542-G-A. GRCh37 (hg19) VCF-style: chr5-138160231-G-A.
Other names: c.601G>A, p.Val201Ile (NM_001290307.3, NM_001323982.2, NM_001323983.1 and 3 more transcripts); c.292G>A, p.Val98Ile (NM_001290309.3); c.232G>A, p.Val78Ile (NM_001290310.3); c.601G>A (NM_001903.2); short protein forms V201I, V98I, V78I.
Identifiers: ClinVar variation 651695 (VCV000651695.9), dbSNP rs199670010, ClinGen allele CA128228915.

ClinVar aggregate classification (germline): Conflicting classifications of pathogenicity. Review status: criteria provided, conflicting classifications (1 of 4 stars). 2 submissions from 2 submitters: Uncertain significance (1); Likely benign (1). Last evaluated 2026-02-25.

Conditions:
Hereditary cancer-predisposing syndrome. Also called: Neoplastic Syndromes, Hereditary; Hereditary neoplastic syndrome; Tumor predisposition; Hereditary Cancer Syndrome. Identifiers: Orphanet 140162, MedGen C0027672, MeSH D009386, MONDO:0015356.

Submissions (2):

Ambry Genetics
Classification: Likely benign for Hereditary cancer-predisposing syndrome. Last evaluated: 2026-02-25. Review status: criteria provided, single submitter. Criteria: Ambry Variant Classification Scheme 2023. Collection method: clinical testing. Allele origin: germline.

Labcorp Genetics (formerly Invitae), Labcorp
Classification: Uncertain significance. Last evaluated: 2025-04-14. Review status: criteria provided, single submitter. Criteria: Invitae Variant Classification Sherloc (09022015). Collection method: clinical testing. Allele origin: germline.
Comment: This sequence change replaces valine, which is neutral and non-polar, with isoleucine, which is neutral and non-polar, at codon 201 of the CTNNA1 protein (p.Val201Ile). This variant is not present in population databases (gnomAD no frequency). This variant has not been reported in the literature in individuals affected with CTNNA1-related conditions. ClinVar contains an entry for this variant (Variation ID: 651695). Invitae Evidence Modeling of protein sequence and biophysical properties (such as structural, functional, and spatial information, amino acid conservation, physicochemical variation, residue mobility, and thermodynamic stability) has been performed for this missense variant. However, the output from this modeling did not meet the statistical confidence thresholds required to predict the impact of this variant on CTNNA1 protein function. In summary, the available evidence is currently insufficient to determine the role of this variant in disease. Therefore, it has been classified as a Variant of Uncertain Significance.